The following is an entry in ClinVar:

ClinVar aggregate classification (germline): Likely benign. Review status: criteria provided, multiple submitters, no conflicts (2 of 4 stars). 4 submissions from 4 submitters: Likely benign (3). 1 of the submissions does not count toward it. Last evaluated 2025-10-26.

Conditions:
PAX2-Related Disorder. Also called: PAX2-related disorders. Identifiers: MedGen CN381309.
Renal coloboma syndrome (PAPRS). Also called: OPTIC COLOBOMA, VESICOURETERAL REFLUX, AND RENAL ANOMALIES; OPTIC NERVE COLOBOMA WITH RENAL DISEASE; RENAL-COLOBOMA SYNDROME WITH MACULAR ABNORMALITIES; PAPILLORENAL SYNDROME; COLOBOMA OF OPTIC NERVE WITH RENAL DISEASE; PAPILLORENAL SYNDROME WITH MILD OCULAR ABNORMALITIES. Identifiers: Orphanet 1475, MedGen C1852759, MONDO:0007352, OMIM 120330.
Focal segmental glomerulosclerosis 7 (FSGS7). Identifiers: Orphanet 656, MedGen C4014925, MONDO:0014451, OMIM 616002.

Allele frequency attached by ClinVar (database versions not stated): gnomAD 0.00006 and 0.00007; TOPMed 0.00007; gnomAD exomes 0.00010; ExAC 0.00013.
gnomAD v4.1: 74 of 1,613,412 alleles (0.0046%); highest among the groups gnomAD compares: East Asian, 0.036%; no homozygotes.

Submissions (4):

Labcorp Genetics (formerly Invitae), Labcorp
Classification: Likely benign for Renal coloboma syndrome; Focal segmental glomerulosclerosis 7. Last evaluated: 2025-10-26. Review status: criteria provided, single submitter. Criteria: Invitae Variant Classification Sherloc (09022015). Collection method: clinical testing. Allele origin: germline.

Blueprint Genetics
Classification: Likely benign. Last evaluated: 2024-05-30. Review status: criteria provided, single submitter. Criteria: ACMG Guidelines, 2015. Collection method: clinical testing. Allele origin: germline.

Fulgent Genetics
Classification: Likely benign for Renal coloboma syndrome; Focal segmental glomerulosclerosis 7. Last evaluated: 2021-10-01. Review status: criteria provided, single submitter. Criteria: ACMG Guidelines, 2015. Collection method: clinical testing. Allele origin: unknown.

PreventionGenetics, part of Exact Sciences
Classification: Likely benign for PAX2-related condition. Last evaluated: 2019-07-19. Review status: no assertion criteria provided. Collection method: clinical testing. Allele origin: germline. Not counted in ClinVar's aggregate classification.
Comment: This variant is classified as likely benign based on ACMG/AMP sequence variant interpretation guidelines (Richards et al. 2015 PMID: 25741868, with internal and published modifications).

NM_000278.5(PAX2):c.528C>T (p.Ser176=)

Gene: PAX2 (paired box 2; plus strand). Cytogenetic location: 10q24.31.
Variant type: single nucleotide variant.
Coding change: c.528C>T on transcript NM_000278.5 (MANE Select); coding-DNA position 528, C replaced by T.
Protein change: p.Ser176=; no amino-acid change (serine 176 retained).
Molecular consequence: synonymous variant.
Genome position (GRCh38, 1-based): chr10:100,781,277, C>T. VCF-style: chr10-100781277-C-T. GRCh37 (hg19) VCF-style: chr10-102541034-C-T.
Other names: c.621C>T, p.Ser207= (NM_001304569.2); c.528C>T, p.Ser176= (NM_003987.5, NM_003988.5, NM_003989.5 and 1 more transcripts); c.528C>T (NM_003990.4).
Identifiers: ClinVar variation 1584878 (VCV001584878.12), dbSNP rs369240774, ClinGen allele CA5650758.